The following is an entry in ClinVar:

ClinVar aggregate classification (germline): Uncertain significance (1 of 4 stars; one submission).

Conditions:
Epidermolysis bullosa simplex with nail dystrophy (EBS5D). Identifiers: MedGen C4225309, MONDO:0014661, OMIM 616487.
Epidermolysis bullosa simplex, Ogna type (EBS5A). Also called: Pidermolysis bullosa simplex 5A, Ogna type; EPIDERMOLYSIS BULLOSA SIMPLEX 5A, OGNA TYPE. Identifiers: Orphanet 79401, MedGen C0432317, MONDO:0007555, OMIM 131950.
Autosomal recessive limb-girdle muscular dystrophy type 2Q (LGMDR17). Also called: MUSCULAR DYSTROPHY, LIMB-GIRDLE, AUTOSOMAL RECESSIVE 17. Identifiers: Orphanet 254361, MedGen C3150989, MONDO:0013390, OMIM 613723.
Epidermolysis bullosa simplex 5C, with pyloric atresia (EBS5C). Also called: PLEC-Related Epidermolysis Bullosa with Pyloric Atresia; Epidermolysis bullosa simplex with pyloric atresia; PLEC1-Related Epidermolysis Bullosa with Pyloric Atresia. Identifiers: Orphanet 158684, MedGen C2677349, MONDO:0012807, OMIM 612138.
Epidermolysis bullosa simplex 5B, with muscular dystrophy (EBS5B). Also called: EPIDERMOLYSIS BULLOSA SIMPLEX AND LIMB-GIRDLE MUSCULAR DYSTROPHY; Epidermolysis bullosa simplex with muscular dystrophy. Identifiers: Orphanet 257, MedGen C2931072, MONDO:0009181, OMIM 226670.

Allele frequency attached by ClinVar (database versions not stated): gnomAD exomes below 0.00001.
gnomAD v4.1: 3 of 1,613,688 alleles (0.00019%); highest among the groups gnomAD compares: Non-Finnish European, 0.00017%; no homozygotes.

Submission:

Labcorp Genetics (formerly Invitae), Labcorp
Classification: Uncertain significance for Autosomal recessive limb-girdle muscular dystrophy type 2Q; Epidermolysis bullosa simplex, Ogna type; Epidermolysis bullosa simplex with nail dystrophy; Epidermolysis bullosa simplex 5C, with pyloric atresia; Epidermolysis bullosa simplex 5B, with muscular dystrophy. Last evaluated: 2016-12-03. Review status: criteria provided, single submitter. Criteria: Invitae Variant Classification Sherloc (09022015). Collection method: clinical testing. Allele origin: germline.
Comment: This sequence change replaces glutamine with histidine at codon 2467 of the PLEC protein (p.Gln2467His). The glutamine residue is highly conserved and there is a small physicochemical difference between glutamine and histidine. This variant is not present in population databases (ExAC no frequency) and has not been reported in the literature in individuals with a PLEC-related disease. Algorithms developed to predict the effect of missense changes on protein structure and function do not agree on the potential impact of this missense change (SIFT: "Deleterious"; PolyPhen-2: "Probably Damaging"; Align-GVGD: "Class C15"). In summary, this variant is a novel missense change with uncertain impact on protein function. It has been classified as a Variant of Uncertain Significance.

NM_201384.3(PLEC):c.7320G>C (p.Gln2440His)

Gene: PLEC (plectin; minus strand). Cytogenetic location: 8q24.3.
Variant type: single nucleotide variant.
Coding change: c.7320G>C on transcript NM_201384.3 (MANE Select); coding-DNA position 7320, G replaced by C.
Protein change: p.Gln2440His; replaces glutamine 2440 with histidine.
Molecular consequence: missense variant.
Genome position (GRCh38, 1-based): chr8:143,922,609, C>G on the plus strand (G>C on the coding strand, the complement: PLEC is on the minus strand). VCF-style: chr8-143922609-C-G. GRCh37 (hg19) VCF-style: chr8-144996777-C-G.
Other names: c.7401G>C, p.Gln2467His (NM_000445.5); c.7278G>C, p.Gln2426His (NM_201378.4); c.7254G>C, p.Gln2418His (NM_201379.3); c.7731G>C, p.Gln2577His (NM_201380.4); c.7224G>C, p.Gln2408His (NM_201381.3); c.7320G>C, p.Gln2440His (NM_201382.4); c.7332G>C, p.Gln2444His (NM_201383.3); short protein forms Q2408H, Q2426H, Q2440H, Q2444H, Q2577H, Q2418H, Q2467H.
Identifiers: ClinVar variation 471643 (VCV000471643.1), dbSNP rs1554689985, ClinGen allele CA372526172.